The following is an entry in ClinVar:

ClinVar aggregate classification (germline): Conflicting classifications of pathogenicity. Review status: criteria provided, conflicting classifications (1 of 4 stars). 3 submissions from 3 submitters: Pathogenic (1); Likely pathogenic (1); Uncertain significance (1). Last evaluated 2025-04-19.

Conditions:
DUOX2-related disorder. Also called: DUOX2-related condition.

Allele frequency attached by ClinVar (database versions not stated): gnomAD 0.00002; ExAC 0.00003.
gnomAD v4.1: 5 of 1,578,828 alleles (0.00032%); highest among the groups gnomAD compares: African/African-American, 0.0054%; no homozygotes.

Submissions (3):

PreventionGenetics, part of Exact Sciences
Classification: Likely pathogenic for DUOX2-related condition. Last evaluated: 2025-04-19. Review status: criteria provided, single submitter. Criteria: ACMG Guidelines, 2015. Collection method: clinical testing. Allele origin: germline.
Comment: The DUOX2 c.1717C>T variant is predicted to result in premature protein termination (p.Gln573*). This variant was reported in an individual with thyroid dyshormonogenesis (Long et al. 2018. PubMed ID: 30022773). This variant is reported in 0.019% of alleles in individuals of African descent in gnomAD. Nonsense variants in DUOX2 are expected to be pathogenic. This variant is interpreted as likely pathogenic.

Labcorp Genetics (formerly Invitae), Labcorp
Classification: Pathogenic. Last evaluated: 2024-02-06. Review status: criteria provided, single submitter. Criteria: Invitae Variant Classification Sherloc (09022015). Collection method: clinical testing. Allele origin: germline.
Comment: This sequence change creates a premature translational stop signal (p.Gln573*) in the DUOX2 gene. It is expected to result in an absent or disrupted protein product. Loss-of-function variants in DUOX2 are known to be pathogenic (PMID: 12110737, 18765513, 21565790, 24423310, 24735383). The frequency data for this variant in the population databases is considered unreliable, as metrics indicate poor data quality at this position in the gnomAD database. This premature translational stop signal has been observed in individual(s) with congenital hypothyroidism (PMID: 30022773). ClinVar contains an entry for this variant (Variation ID: 2152229). Algorithms developed to predict the effect of sequence changes on RNA splicing suggest that this variant may disrupt the consensus splice site. For these reasons, this variant has been classified as Pathogenic.

GeneDx
Classification: Uncertain significance. Last evaluated: 2023-10-23. Review status: criteria provided, single submitter. Criteria: GeneDx Variant Classification Process June 2021. Collection method: clinical testing. Allele origin: germline. Affected: yes.
Comment: Reported in an individual with congenital hypothyroidism in published literature (PMID: 30022773); Nonsense variant predicted to result in protein truncation or nonsense mediated decay in a gene for which loss of function is a known mechanism of disease; This variant is associated with the following publications: (PMID: 30022773, 34200080, Chen[article]2020)

Literature cited by the submitters: PubMed 12110737 (cited by Labcorp Genetics (formerly Invitae), Labcorp); PubMed 18765513 (cited by Labcorp Genetics (formerly Invitae), Labcorp); PubMed 21565790 (cited by Labcorp Genetics (formerly Invitae), Labcorp); PubMed 24423310 (cited by Labcorp Genetics (formerly Invitae), Labcorp); PubMed 24735383 (cited by Labcorp Genetics (formerly Invitae), Labcorp); PubMed 30022773 (cited by Labcorp Genetics (formerly Invitae), Labcorp).

NM_001363711.2(DUOX2):c.1717C>T (p.Gln573Ter)

Gene: DUOX2 (dual oxidase 2; minus strand). Cytogenetic location: 15q21.1.
Variant type: single nucleotide variant.
Coding change: c.1717C>T on transcript NM_001363711.2 (MANE Select); coding-DNA position 1717, C replaced by T.
Protein change: p.Gln573Ter; replaces glutamine 573 with a stop codon.
Molecular consequence: nonsense.
Genome position (GRCh38, 1-based): chr15:45,106,946, G>A on the plus strand (C>T on the coding strand, the complement: DUOX2 is on the minus strand). VCF-style: chr15-45106946-G-A. GRCh37 (hg19) VCF-style: chr15-45399144-G-A.
Other names: c.1717C>T, p.Gln573Ter (NM_014080.5); c.1717C>T (NM_014080.4); short protein forms Q573*.
Identifiers: ClinVar variation 2152229 (VCV002152229.6), dbSNP rs769605933, ClinGen allele CA7538511.
Genomic context (GRCh38, chr15:45,106,946, plus strand): 5'-CTTCAAAGAAGTCAAGCACAGTCAGGGGTGCACACTGGGGCAGGCCGTCAGTTGTGAGCT[G>A]CTTAGGTTGAGGGCAGGGTGCACCTGAGGGAGAGGGCAGGGAAGACCTCAAAGTCTGAGG-3'